The following is an entry in ClinVar:

NM_000088.4(COL1A1):c.3379G>C (p.Gly1127Arg)

Gene: COL1A1 (collagen type I alpha 1 chain; minus strand). Cytogenetic location: 17q21.33.
Variant type: single nucleotide variant.
Coding change: c.3379G>C on transcript NM_000088.4 (MANE Select); coding-DNA position 3379, G replaced by C.
Protein change: p.Gly1127Arg; replaces glycine 1127 with arginine.
Molecular consequence: missense variant.
Genome position (GRCh38, 1-based): chr17:50,187,528, C>G on the plus strand (G>C on the coding strand, the complement: COL1A1 is on the minus strand). VCF-style: chr17-50187528-C-G. GRCh37 (hg19) VCF-style: chr17-48264889-C-G.
Other names: short protein forms G1127R.
Identifiers: ClinVar variation 993579 (VCV000993579.8), dbSNP rs1555572024, ClinGen allele CA400199368.

ClinVar aggregate classification (germline): Likely pathogenic (1 of 4 stars; one submission).

Submission:

ARUP Laboratories, Molecular Genetics and Genomics, ARUP Laboratories
Classification: Likely pathogenic. Last evaluated: 2019-08-02. Review status: criteria provided, single submitter. Criteria: ARUP Molecular Germline Variant Investigation Process. Collection method: clinical testing. Allele origin: germline.
Comment: The COL1A1 c.3379G>C; p.Gly1127Arg variant, to our knowledge, is not reported in the medical literature or gene specific databases. This variant is also absent from general population databases (Exome Variant Server, Genome Aggregation Database), indicating it is not a common polymorphism. The glycine at codon 1127 is highly conserved, and computational analyses (SIFT, PolyPhen-2) predict that this variant is deleterious. Additionally, another variant at this codon (c.3380G>A; p.Gly1127Asp) has been reported as a de novo variant in at least one individual with a type I collagenopathy and is considered pathogenic (Lee 2017). This codon is located in a triple helix repeat domain, and glycine substitutions are the most frequent pathogenic alterations in this region (Ben Amor 2011). Based on available information, the p.Gly1127Arg variant is considered to be likely pathogenic. References: Ben Amor I et al. Genotype-phenotype correlations in autosomal dominant osteogenesis imperfecta. J Osteoporos. 2011; 2011:540178. Lee JS et al. Severe hypotonia and postnatal growth impairment in a girl with a missense mutation in COL1A1: Implication of expanded phenotypic spectrum of type I collagenopathy. Brain Dev. 2017 Oct;39(9):799-803.